The following is an entry in ClinVar:

NM_000349.3(STAR):c.76C>T (p.Gln26Ter)

Gene: STAR (steroidogenic acute regulatory protein; minus strand). Cytogenetic location: 8p11.23.
Variant type: single nucleotide variant.
Coding change: c.76C>T on transcript NM_000349.3 (MANE Select); coding-DNA position 76, C replaced by T.
Protein change: p.Gln26Ter; replaces glutamine 26 with a stop codon.
Molecular consequence: nonsense.
Genome position (GRCh38, 1-based): chr8:38,148,743, G>A on the plus strand (C>T on the coding strand, the complement: STAR is on the minus strand). VCF-style: chr8-38148743-G-A. GRCh37 (hg19) VCF-style: chr8-38006261-G-A.
Other names: c.76C>T (NM_000349.2); short protein forms Q26*.
Identifiers: ClinVar variation 1068479 (VCV001068479.6), dbSNP rs1303620777, ClinGen allele CA370704446.

ClinVar aggregate classification (germline): Pathogenic. Review status: criteria provided, multiple submitters, no conflicts (2 of 4 stars). 2 submissions from 2 submitters: Pathogenic (2). Last evaluated 2025-03-13.

Conditions:
STAR-related disorder. Also called: STAR-related condition.

Allele frequency attached by ClinVar (database versions not stated): gnomAD exomes below 0.00001; gnomAD 0.00001; TOPMed 0.00001.

Submissions (2):

PreventionGenetics, part of Exact Sciences
Classification: Pathogenic for STAR-related condition. Last evaluated: 2025-03-13. Review status: criteria provided, single submitter. Criteria: ACMG Guidelines, 2015. Collection method: clinical testing. Allele origin: germline.
Comment: The STAR c.76C>T variant is predicted to result in premature protein termination (p.Gln26*). This variant was reported in a reproductive carrier-testing study (Supp. Table S4, Abulí et al. 2016. PubMed ID: 26990548). This variant has not been reported in a large population database (gnomAD), indicating this variant is rare. Nonsense variants in STAR are expected to be pathogenic. This variant is interpreted as pathogenic.

Labcorp Genetics (formerly Invitae), Labcorp
Classification: Pathogenic. Last evaluated: 2023-07-01. Review status: criteria provided, single submitter. Criteria: Invitae Variant Classification Sherloc (09022015). Collection method: clinical testing. Allele origin: germline.
Comment: This variant is not present in population databases (gnomAD no frequency). For these reasons, this variant has been classified as Pathogenic. ClinVar contains an entry for this variant (Variation ID: 1068479). This variant has not been reported in the literature in individuals affected with STAR-related conditions. This sequence change creates a premature translational stop signal (p.Gln26*) in the STAR gene. It is expected to result in an absent or disrupted protein product. Loss-of-function variants in STAR are known to be pathogenic (PMID: 8948562).

Literature cited by the submitters: PubMed 8948562 (cited by Labcorp Genetics (formerly Invitae), Labcorp).